The following is an entry in ClinVar:

ClinVar aggregate classification (germline): Pathogenic/Likely pathogenic. Review status: criteria provided, multiple submitters, no conflicts (2 of 4 stars). 2 submissions from 2 submitters: Pathogenic (1); Likely pathogenic (1). Last evaluated 2025-12-28.

Conditions:
Marfan syndrome (MFS). Also called: MARFAN SYNDROME, TYPE I; FBN1-Related Marfan Syndrome; Marfan syndrome, classic; Marfan syndrome type 1; Marfan's syndrome. Identifiers: Orphanet 284963, Orphanet 558, MedGen C0024796, MONDO:0007947, OMIM 154700.
Familial thoracic aortic aneurysm and aortic dissection (TAAD). Also called: Thoracic aortic aneurysms and dissections. Identifiers: Orphanet 91387, MedGen C4707243, MONDO:0019625.

Submissions (2):

Labcorp Genetics (formerly Invitae), Labcorp
Classification: Pathogenic for Marfan syndrome; Familial thoracic aortic aneurysm and aortic dissection. Last evaluated: 2025-12-28. Review status: criteria provided, single submitter. Criteria: Invitae Variant Classification Sherloc (09022015). Collection method: clinical testing. Allele origin: germline.
Comment: This sequence change replaces cysteine, which is neutral and slightly polar, with tyrosine, which is neutral and polar, at codon 1526 of the FBN1 protein (p.Cys1526Tyr). This variant is not present in population databases (gnomAD no frequency). This missense change has been observed in individuals with clinical features of Marfan syndrome (PMID: 19839986, 38190127; internal data). ClinVar contains an entry for this variant (Variation ID: 264314). Invitae Evidence Modeling of protein sequence and biophysical properties (such as structural, functional, and spatial information, amino acid conservation, physicochemical variation, residue mobility, and thermodynamic stability) indicates that this missense variant is expected to disrupt FBN1 protein function with a positive predictive value of 95%. This variant affects a cysteine residue in the EGF-like, TGFBP or hybrid motif domains of FBN1. Cysteine residues are believed to be involved in intramolecular disulfide bridges and have been shown to be important for FBN1 protein structure (PMID: 16905551, 19349279). In addition, missense substitutions affecting cysteine residues within these domains are significantly overrepresented among patients with Marfan syndrome (PMID: 16571647, 17701892). For these reasons, this variant has been classified as Pathogenic.

Ambry Genetics
Classification: Likely pathogenic for Familial thoracic aortic aneurysm and aortic dissection. Last evaluated: 2015-08-28. Review status: criteria provided, single submitter. Criteria: Ambry Variant Classification Scheme 2023. Collection method: clinical testing. Allele origin: germline.
Comment: The p.C1526Y variant (also known as c.4577G>A), located in coding exon 36 of the FBN1 gene, results from a G to A substitution at nucleotide position 4577. The cysteine at codon 1526 is replaced by tyrosine, an amino acid with highly dissimilar properties, and is located in the cb EGF-like #22 domain. In addition, another alteration at this codon, p.C1526S, has been reported in an individual with ectopia lentis (Pepe G et al. Mol Vis. 2007;13:2242-7). This variant was not reported in population based cohorts in the following databases: Database of Single Nucleotide Polymorphisms (dbSNP), NHLBI Exome Sequencing Project (ESP), and 1000 Genomes Project. In the ESP, this variant was not observed in 6494 samples (12988 alleles) with coverage at this position. This amino acid position is highly conserved in available vertebrate species. In addition, this alteration is predicted to be deleterious by in silico analysis. Based on the majority of evidence available, this variant is likely to be pathogenic.

Literature cited by the submitters: PubMed 19839986 (cited by Labcorp Genetics (formerly Invitae), Labcorp and Ambry Genetics); PubMed 38190127 (cited by Labcorp Genetics (formerly Invitae), Labcorp); PubMed 16905551 (cited by Labcorp Genetics (formerly Invitae), Labcorp); PubMed 19349279 (cited by Labcorp Genetics (formerly Invitae), Labcorp); PubMed 16571647 (cited by Labcorp Genetics (formerly Invitae), Labcorp); PubMed 17701892 (cited by Labcorp Genetics (formerly Invitae), Labcorp); PubMed 18087243 (cited by Ambry Genetics).

NM_000138.5(FBN1):c.4577G>A (p.Cys1526Tyr)

Gene: FBN1 (fibrillin 1; minus strand). Cytogenetic location: 15q21.1.
Variant type: single nucleotide variant.
Coding change: c.4577G>A on transcript NM_000138.5 (MANE Select); coding-DNA position 4577, G replaced by A.
Protein change: p.Cys1526Tyr; replaces cysteine 1526 with tyrosine.
Molecular consequence: missense variant.
Genome position (GRCh38, 1-based): chr15:48,468,417, C>T on the plus strand (G>A on the coding strand, the complement: FBN1 is on the minus strand). VCF-style: chr15-48468417-C-T. GRCh37 (hg19) VCF-style: chr15-48760614-C-T.
Other names: short protein forms C1526Y.
Identifiers: ClinVar variation 264314 (VCV000264314.6), dbSNP rs886039120, ClinGen allele CA10587825.